The following is an entry in ClinVar:

GRCh37/hg19 8q13.1-13.2(chr8:66045954-69807260)x1

Genes: ADHFE1 (alcohol dehydrogenase iron containing 1; plus strand), ARFGEF1 (ARF guanine nucleotide exchange factor 1; minus strand), ARMC1 (armadillo repeat containing 1; minus strand), C8orf34 (chromosome 8 open reading frame 34; plus strand), C8orf44 (chromosome 8 putative open reading frame 44; plus strand) and 20 more. Cytogenetic location: 8q13.1-13.2.
Variant type: copy number loss.
Change: copy number 1 (one copy instead of two) of chr8:66,045,954-69,807,260 (3.76 Mb, GRCh37 coordinates, 1-based), cytogenetic band 8q13.1-13.2.
Identifiers: ClinVar variation 1340821 (VCV001340821.1).

ClinVar aggregate classification (germline): Pathogenic (1 of 4 stars; one submission).

Submission:

Quest Diagnostics Nichols Institute San Juan Capistrano
Classification: Pathogenic. Last evaluated: 2024-04-17. Review status: criteria provided, single submitter. Criteria: ACMG/ClinGen CNV Guidelines, 2019. Collection method: clinical testing. Allele origin: unknown.
Comment: This copy number includes gene ARFGEF1 (OMIM 604141). Haploinsufficiency of ARFGEF1 has been reported in association with autosomal dominant developmental delay, impaired speech, and behavioral abnormalities, with or without seizures (DEDISB; OMIM 619964; Mordaunt 2015, Thomas 2021, Turner 2019, Xu 2022). There are no similar copy number losses of this region in the general populations of the Database of Genomic Variants. Thus, based on current medical literature, this copy number variant (CNV) is classified as pathogenic. References: Mordaunt et al., Pediatr Neurol. 2015 Feb;52(2):230-4.e1. PMID: 25693585; Thomas et al., Genet Med. 2021 Oct;23(10):1901-1911. PMID: 34113008; Turner et al., Am J Hum Genet. 2019 Dec 5;105(6):1274-1285. PMID: 31785789; Xu et al., Front Mol Neurosci. 2022 Jun 17;15:862096. PMID: 35782386